The following is an entry in ClinVar:

NM_001267550.2(TTN):c.105908T>C (p.Leu35303Pro)

Genes: TTN (titin; minus strand), TTN-AS1 (TTN antisense RNA 1; plus strand), LOC129935183 (ATAC-STARR-seq lymphoblastoid active region 16808; plus strand). Cytogenetic location: 2q31.2.
Variant type: single nucleotide variant.
Coding change: c.105908T>C on transcript NM_001267550.2 (MANE Select); coding-DNA position 105908, T replaced by C.
Protein change: p.Leu35303Pro; replaces leucine 35303 with proline.
Molecular consequence: missense variant.
Genome position (GRCh38, 1-based): chr2:178,530,707, A>G on the plus strand (T>C on the coding strand, the complement: TTN is on the minus strand). VCF-style: chr2-178530707-A-G. GRCh37 (hg19) VCF-style: chr2-179395434-A-G.
Other names: c.100985T>C, p.Leu33662Pro (NM_001256850.1); c.78713T>C, p.Leu26238Pro (NM_003319.4); c.98204T>C, p.Leu32735Pro (NM_133378.4); c.79088T>C, p.Leu26363Pro (NM_133432.3); c.79289T>C, p.Leu26430Pro (NM_133437.4); short protein forms L26238P, L32735P, L33662P, L35303P, L26363P, L26430P.
Identifiers: ClinVar variation 2177445 (VCV002177445.4), dbSNP rs369198301, ClinGen allele CA1985189.
Genomic context (GRCh38, chr2:178,530,707, plus strand): 5'-CCATCTTTATACCAGGTGACCTCTTTTGCCCTTAATACACTGCTTTCAACCACACAGGTC[A>G]GTTTTGCAATCTCTTTAGAAGCTTCTGCTTTCAGGAACTGAGTAATCTTTGGTGGGGCAG-3'
Protein context (NP_001254479.2, residues 35293-35313): KAEASKEIAK[Leu35303Pro]TCVVESSVLR

ClinVar aggregate classification (germline): Uncertain significance (1 of 4 stars; one submission).

Conditions:
Autosomal recessive limb-girdle muscular dystrophy type 2J (LGMDR10). Also called: Limb-girdle muscular dystrophy, type 2J; MUSCULAR DYSTROPHY, LIMB-GIRDLE, AUTOSOMAL RECESSIVE 10. Identifiers: Orphanet 140922, MedGen C1837342, MONDO:0012127, OMIM 608807.
Dilated cardiomyopathy 1G (CMD1G). Identifiers: Orphanet 154, MedGen C1858763, MONDO:0011400, OMIM 604145.

Allele frequency attached by ClinVar (database versions not stated): gnomAD exomes below 0.00001; gnomAD 0.00001; TOPMed 0.00001; ExAC 0.00002; ESP Exome Variant Server 0.00008.
gnomAD v4.1: 3 of 1,613,844 alleles (0.00019%); highest among the groups gnomAD compares: Non-Finnish European, 0.00025%; no homozygotes.

Submission:

Labcorp Genetics (formerly Invitae), Labcorp
Classification: Uncertain significance for Dilated cardiomyopathy 1G; Autosomal recessive limb-girdle muscular dystrophy type 2J. Last evaluated: 2024-03-08. Review status: criteria provided, single submitter. Criteria: Invitae Variant Classification Sherloc (09022015). Collection method: clinical testing. Allele origin: germline.
Comment: This sequence change replaces leucine, which is neutral and non-polar, with proline, which is neutral and non-polar, at codon 35303 of the TTN protein (p.Leu35303Pro). This variant is present in population databases (rs369198301, gnomAD 0.002%). This variant has not been reported in the literature in individuals affected with TTN-related conditions. ClinVar contains an entry for this variant (Variation ID: 2177445). Experimental studies and prediction algorithms are not available or were not evaluated, and the functional significance of this variant is currently unknown. This variant is located in the M band of TTN (PMID: 25589632). Non-truncating variants in this region may be relevant for neuromuscular disorders, but have not been definitively shown to cause cardiomyopathy (PMID: 23975875). In summary, the available evidence is currently insufficient to determine the role of this variant in disease. Therefore, it has been classified as a Variant of Uncertain Significance.

Literature cited by the submitters: PubMed 25589632; PubMed 23975875.